The following is an entry in ClinVar:

NM_004655.4(AXIN2):c.455C>A (p.Ala152Asp)

Gene: AXIN2 (axin 2; minus strand). Cytogenetic location: 17q24.1.
Variant type: single nucleotide variant.
Coding change: c.455C>A on transcript NM_004655.4 (MANE Select); coding-DNA position 455, C replaced by A.
Protein change: p.Ala152Asp; replaces alanine 152 with aspartic acid.
Molecular consequence: missense variant.
Genome position (GRCh38, 1-based): chr17:65,558,166, G>T on the plus strand (C>A on the coding strand, the complement: AXIN2 is on the minus strand). VCF-style: chr17-65558166-G-T. GRCh37 (hg19) VCF-style: chr17-63554284-G-T.
Other names: c.455C>A, p.Ala152Asp (NM_001363813.1); short protein forms A152D.
Identifiers: ClinVar variation 5032632 (VCV005032632.1).

ClinVar aggregate classification (germline): Uncertain significance (1 of 4 stars; one submission).

Conditions:
Hereditary cancer-predisposing syndrome. Also called: Neoplastic Syndromes, Hereditary; Tumor predisposition; Hereditary neoplastic syndrome; Hereditary Cancer Syndrome. Identifiers: Orphanet 140162, MedGen C0027672, MeSH D009386, MONDO:0015356.

Submission:

Ambry Genetics
Classification: Uncertain significance for Hereditary cancer-predisposing syndrome. Last evaluated: 2026-07-07. Review status: criteria provided, single submitter. Criteria: Ambry Variant Classification Scheme 2023. Collection method: clinical testing. Allele origin: germline.
Comment: The p.A152D variant (also known as c.455C>A), located in coding exon 1 of the AXIN2 gene, results from a C to A substitution at nucleotide position 455. The alanine at codon 152 is replaced by aspartic acid, an amino acid with dissimilar properties. This amino acid position is conserved. In addition, the in silico prediction for this alteration is inconclusive. Based on the available evidence, the clinical significance of this variant remains unclear.